The following is an entry in ClinVar:

ClinVar aggregate classification (germline): Likely benign. Review status: criteria provided, multiple submitters, no conflicts (2 of 4 stars). 5 submissions from 5 submitters: Likely benign (5). Last evaluated 2026-09-01.

Conditions:
Cystic fibrosis (CF). Also called: MUCOVISCIDOSIS. Identifiers: Orphanet 586, MedGen C0010674, MONDO:0009061, OMIM 219700. Disease mechanism: loss of function.
CFTR-related disorder (CFTR-RD). Also called: CFTR-related disorders; CFTR-related condition. Identifiers: MedGen C5924204, MONDO:7770004.

Allele frequency attached by ClinVar (database versions not stated): TOPMed below 0.00001; gnomAD exomes 0.00001; ExAC 0.00002; ESP Exome Variant Server 0.00008.
gnomAD v4.1: 14 of 1,614,042 alleles (0.00087%); highest among the groups gnomAD compares: Admixed American, 0.0017%; no homozygotes.

Submissions (5):

CeGaT Center for Human Genetics Tuebingen
Classification: Likely benign. Last evaluated: 2026-09-01. Review status: criteria provided, single submitter. Criteria: CeGaT Center For Human Genetics Tuebingen Variant Classification Criteria Version 2. Collection method: clinical testing. Allele origin: germline. Affected: yes. Observed: 1 variant allele.
Comment: CFTR: BP4, BP7

PreventionGenetics, part of Exact Sciences
Classification: Likely benign for CFTR-related condition. Last evaluated: 2026-05-26. Review status: criteria provided, single submitter. Criteria: ACMG Guidelines, 2015. Collection method: clinical testing. Allele origin: germline.
Comment: This variant is classified as likely benign based on ACMG/AMP sequence variant interpretation guidelines (Richards et al. 2015 PMID: 25741868, with internal and published modifications).

Labcorp Genetics (formerly Invitae), Labcorp
Classification: Likely benign for Cystic fibrosis. Last evaluated: 2026-01-27. Review status: criteria provided, single submitter. Criteria: Invitae Variant Classification Sherloc (09022015). Collection method: clinical testing. Allele origin: germline.

Ambry Genetics
Classification: Likely benign for Cystic fibrosis. Last evaluated: 2020-09-17. Review status: criteria provided, single submitter. Criteria: Ambry Variant Classification Scheme 2023. Collection method: clinical testing. Allele origin: germline.

Women's Health and Genetics/Laboratory Corporation of America, LabCorp
Classification: Likely benign. Last evaluated: 2019-08-28. Review status: criteria provided, single submitter. Criteria: LabCorp Variant Classification Summary - May 2015. Collection method: clinical testing. Allele origin: germline.

NM_000492.4(CFTR):c.972C>G (p.Pro324=)

Gene: CFTR (CF transmembrane conductance regulator; plus strand). Cytogenetic location: 7q31.2.
Variant type: single nucleotide variant.
Coding change: c.972C>G on transcript NM_000492.4 (MANE Select); coding-DNA position 972, C replaced by G.
Protein change: p.Pro324=; no amino-acid change (proline 324 retained).
Molecular consequence: synonymous variant.
Genome position (GRCh38, 1-based): chr7:117,540,202, C>G. VCF-style: chr7-117540202-C-G. GRCh37 (hg19) VCF-style: chr7-117180256-C-G.
Identifiers: ClinVar variation 495965 (VCV000495965.15), dbSNP rs1799834, ClinGen allele CA4450872.
Genomic context (GRCh38, chr7:117,540,202, plus strand): 5'-CTTCAATAGCTCAGCCTTCTTCTTCTCAGGGTTCTTTGTGGTGTTTTTATCTGTGCTTCC[C>G]TATGCACTAATCAAAGGAATCATCCTCCGGAAAATATTCACCACCATCTCATTCTGCATT-3'
Protein context (NP_000483.3, residues 314-334): GFFVVFLSVL[Pro324=]YALIKGIILR